The following is an entry in ClinVar:

NM_000548.5(TSC2):c.656T>G (p.Leu219Arg)

Gene: TSC2 (TSC complex subunit 2; plus strand). Cytogenetic location: 16p13.3.
Variant type: single nucleotide variant.
Coding change: c.656T>G on transcript NM_000548.5 (MANE Select); coding-DNA position 656, T replaced by G.
Protein change: p.Leu219Arg; replaces leucine 219 with arginine.
Molecular consequence: missense variant. On other transcripts: 5 prime UTR variant (9), non-coding transcript variant (5), intron variant (3).
Genome position (GRCh38, 1-based): chr16:2,056,651, T>G. VCF-style: chr16-2056651-T-G. GRCh37 (hg19) VCF-style: chr16-2106652-T-G.
Other names: c.56T>G, p.Leu19Arg (NM_001406688.1, NM_001406680.1, NM_001318831.2 and 6 more transcripts); c.-776T>G (NM_001406689.1, NM_001406690.1, NM_001406691.1 and 3 more transcripts); c.-657T>G (NM_001406694.1, NM_001406695.1); c.-952T>G (NM_001406698.1); c.656T>G, p.Leu219Arg (NM_021055.3, NM_001077183.3, NM_001114382.3 and 6 more transcripts); c.746T>G, p.Leu249Arg (NM_001406667.1, NM_001406668.1); c.545T>G, p.Leu182Arg (NM_001406670.1, NM_001406678.1, NM_001318827.2); c.509T>G, p.Leu170Arg (NM_001406675.1, NM_001406676.1, NM_001406679.1 and 1 more transcripts); and 5 more; short protein forms L19R, L65R, L170R, L219R, L249R, L182R, L200R, L230R.
Identifiers: ClinVar variation 4192168 (VCV004192168.1).

ClinVar aggregate classification (germline): Uncertain significance (1 of 4 stars; one submission).

Conditions:
Hereditary cancer-predisposing syndrome. Also called: Neoplastic Syndromes, Hereditary; Tumor predisposition; Hereditary Cancer Syndrome; Hereditary neoplastic syndrome. Identifiers: Orphanet 140162, MedGen C0027672, MeSH D009386, MONDO:0015356.

Submission:

Ambry Genetics
Classification: Uncertain significance for Hereditary cancer-predisposing syndrome. Last evaluated: 2025-08-07. Review status: criteria provided, single submitter. Criteria: Ambry Variant Classification Scheme 2023. Collection method: clinical testing. Allele origin: germline.
Comment: The p.L219R variant (also known as c.656T>G), located in coding exon 7 of the TSC2 gene, results from a T to G substitution at nucleotide position 656. The leucine at codon 219 is replaced by arginine, an amino acid with dissimilar properties. This amino acid position is highly conserved in available vertebrate species. In addition, this alteration is predicted to be deleterious by in silico analysis. Based on the available evidence, the clinical significance of this variant remains unclear.